The following is an entry in ClinVar:

ClinVar aggregate classification (germline): Uncertain significance. Review status: criteria provided, multiple submitters, no conflicts (2 of 4 stars). 2 submissions from 2 submitters: Uncertain significance (2). Last evaluated 2025-09-19.

Conditions:
Coffin-Siris syndrome 1 (CSS1). Also called: Mental retardation, autosomal dominant 12; ARID1B-Related Coffin-Siris Syndrome. Identifiers: Orphanet 1465, MedGen C3281201, MONDO:0007617, OMIM 135900. Disease mechanism: gain of function.
Hereditary cancer-predisposing syndrome. Also called: Tumor predisposition; Neoplastic Syndromes, Hereditary; Hereditary Cancer Syndrome; Hereditary neoplastic syndrome. Identifiers: Orphanet 140162, MedGen C0027672, MeSH D009386, MONDO:0015356.

Submissions (2):

Ambry Genetics
Classification: Uncertain significance for Hereditary cancer-predisposing syndrome. Last evaluated: 2025-09-19. Review status: criteria provided, single submitter. Criteria: Ambry Variant Classification Scheme 2023. Collection method: clinical testing. Allele origin: germline.
Comment: The p.Q1667R variant (also known as c.5000A>G), located in coding exon 34 of the SMARCA4 gene, results from an A to G substitution at nucleotide position 5000. The glutamine at codon 1667 is replaced by arginine, an amino acid with highly similar properties. This amino acid position is highly conserved in available vertebrate species. In addition, the in silico prediction for this alteration is inconclusive. Based on the available evidence, the clinical significance of this variant remains unclear.

Foundation for Research in Genetics and Endocrinology, FRIGE's Institute of Human Genetics
Classification: Uncertain significance for Coffin-Siris syndrome 1. Last evaluated: 2019-03-01. Review status: criteria provided, single submitter. Criteria: ACMG Guidelines, 2015. Collection method: clinical testing. Allele origin: germline. Inheritance: Autosomal dominant inheritance. Affected: yes. Observed: 1 heterozygote.
Comment: The observed variant NM_001128849.1:c.5000A>G/p.Gln1667Arg is in exon-35 of the SMARCA4 gene. It has not been reported in the 1000 Genomes, ExAC and gnomAD databases. The in silico prediction of this variant is damaging by LRT, MutationTaster2, Mutation Assessor and FATHMM.

NM_003072.5(SMARCA4):c.4904A>G (p.Gln1635Arg)

Gene: SMARCA4 (SWI/SNF related BAF chromatin remodeling complex subunit ATPase 4; plus strand). Cytogenetic location: 19p13.2.
Variant type: single nucleotide variant.
Coding change: c.4904A>G on transcript NM_003072.5 (MANE Select); coding-DNA position 4904, A replaced by G.
Protein change: p.Gln1635Arg; replaces glutamine 1635 with arginine.
Molecular consequence: missense variant. On other transcripts: non-coding transcript variant (1).
Genome position (GRCh38, 1-based): chr19:11,060,180, A>G. VCF-style: chr19-11060180-A-G. GRCh37 (hg19) VCF-style: chr19-11170856-A-G.
Other names: c.5000A>G, p.Gln1667Arg (NM_001387283.1, NM_001128849.3); c.4904A>G, p.Gln1635Arg (NM_001128844.3); c.4814A>G, p.Gln1605Arg (NM_001128845.2); c.4811A>G, p.Gln1604Arg (NM_001128846.2); c.4805A>G, p.Gln1602Arg (NM_001128847.4, NM_001374457.1); c.4802A>G, p.Gln1601Arg (NM_001128848.2); short protein forms Q1667R, Q1605R, Q1635R, Q1601R, Q1602R, Q1604R.
Identifiers: ClinVar variation 623481 (VCV000623481.4), dbSNP rs1568566518, ClinGen allele CA404080995.
Genomic context (GRCh38, chr19:11,060,180, plus strand): 5'-GGCCGAGCCGAGGGTCCCGAGCCAAGCCGGTCGTGAGTGACGATGACAGTGAGGAGGAAC[A>G]AGAGGAGGTGAGGCCGGGCCCCCGAGCAGGCAGAGCTGGCATGTGGCAGGAGGCATCCCG-3'
Protein context (NP_003063.2, residues 1625-1645): VVSDDDSEEE[Gln1635Arg]EEDRSGSGSE